The following is an entry in ClinVar:

NM_000052.7(ATP7A):c.3703G>A (p.Glu1235Lys)

Gene: ATP7A (ATPase copper transporting alpha; plus strand). Cytogenetic location: Xq21.1.
Variant type: single nucleotide variant.
Coding change: c.3703G>A on transcript NM_000052.7 (MANE Select); coding-DNA position 3703, G replaced by A.
Protein change: p.Glu1235Lys; replaces glutamic acid 1235 with lysine.
Molecular consequence: missense variant. On other transcripts: non-coding transcript variant (1).
Genome position (GRCh38, 1-based): chrX:78,040,635, G>A. VCF-style: chrX-78040635-G-A. GRCh37 (hg19) VCF-style: chrX-77296133-G-A.
Other names: c.3469G>A, p.Glu1157Lys (NM_001282224.2); short protein forms E1157K, E1235K.
Identifiers: ClinVar variation 1499952 (VCV001499952.6), dbSNP rs2149110482, ClinGen allele CA413604778.
Genomic context (GRCh38, chrX:78,040,635, plus strand): 5'-GCTGCCCCTATATTAGATGAGCTGTGTGGCTTGATAGCCATTGCAGACACAGTGAAGCCT[G>A]AAGCAGAACTGGCTATCCATATTCTGAAATCTATGGGCTTAGAAGTAGTTCTGATGACTG-3'
Protein context (NP_000043.4, residues 1225-1245): LIAIADTVKP[Glu1235Lys]AELAIHILKS

ClinVar aggregate classification (germline): Uncertain significance (1 of 4 stars; one submission).

Conditions:
Cutis laxa, X-linked (OHS). Also called: EDS IX; Occipital horn syndrome. Identifiers: Orphanet 198, MedGen C0268353, MONDO:0010572, OMIM 304150.
X-linked distal spinal muscular atrophy type 3. Also called: ATP7A-Related Distal Motor Neuropathy; SPINAL MUSCULAR ATROPHY, DISTAL, X-LINKED RECESSIVE; NEURONOPATHY, DISTAL HEREDITARY MOTOR, X-LINKED; NEUROPATHY, DISTAL HEREDITARY MOTOR, X-LINKED. Identifiers: Orphanet 139557, MedGen C1845359, MONDO:0010338, OMIM 300489.
Menkes kinky-hair syndrome (MNK). Also called: Classic Menkes Disease; Copper transport disease; Menkes Disease. Identifiers: Orphanet 565, MedGen C0022716, MONDO:0010651, OMIM 309400.

Submission:

Labcorp Genetics (formerly Invitae), Labcorp
Classification: Uncertain significance for X-linked distal spinal muscular atrophy type 3; Cutis laxa, X-linked; Menkes kinky-hair syndrome. Last evaluated: 2022-02-18. Review status: criteria provided, single submitter. Criteria: Invitae Variant Classification Sherloc (09022015). Collection method: clinical testing. Allele origin: germline.
Comment: In summary, the available evidence is currently insufficient to determine the role of this variant in disease. Therefore, it has been classified as a Variant of Uncertain Significance. Advanced modeling of protein sequence and biophysical properties (such as structural, functional, and spatial information, amino acid conservation, physicochemical variation, residue mobility, and thermodynamic stability) performed at Invitae indicates that this missense variant is expected to disrupt ATP7A protein function. This variant has not been reported in the literature in individuals affected with ATP7A-related conditions. This variant is not present in population databases (gnomAD no frequency). This sequence change replaces glutamic acid, which is acidic and polar, with lysine, which is basic and polar, at codon 1235 of the ATP7A protein (p.Glu1235Lys).